The following is an entry in ClinVar:

NM_024426.6(WT1):c.133T>C (p.Trp45Arg)

Genes: WT1 (WT1 transcription factor; minus strand), LOC107982234 (WT1/WT1-AS bi-directional promoter region; plus strand). Cytogenetic location: 11p13.
Variant type: single nucleotide variant.
Coding change: c.133T>C on transcript NM_024426.6 (MANE Select); coding-DNA position 133, T replaced by C.
Protein change: p.Trp45Arg; replaces tryptophan 45 with arginine.
Molecular consequence: missense variant. On other transcripts: non-coding transcript variant (1).
Genome position (GRCh38, 1-based): chr11:32,435,228, A>G on the plus strand (T>C on the coding strand, the complement: WT1 is on the minus strand). VCF-style: chr11-32435228-A-G. GRCh37 (hg19) VCF-style: chr11-32456774-A-G.
Other names: c.133T>C, p.Trp45Arg (NM_000378.6, NM_024424.5); short protein forms W45R.
Identifiers: ClinVar variation 476683 (VCV000476683.11), dbSNP rs1186470250, ClinGen allele CA379966318.

ClinVar aggregate classification (germline): Uncertain significance. Review status: criteria provided, multiple submitters, no conflicts (2 of 4 stars). 4 submissions from 4 submitters: Uncertain significance (4). Last evaluated 2025-07-31.

Conditions:
Wilms tumor 1 (WT1). Also called: Wilms tumor, somatic. Identifiers: Orphanet 654, MedGen CN033288, MONDO:0008679, OMIM 194070.
Drash syndrome (DDS). Also called: NEPHROPATHY, WILMS TUMOR, AND GENITAL ANOMALIES; WILMS TUMOR AND PSEUDO- OR TRUE HERMAPHRODITISM. Identifiers: Orphanet 220, MedGen C0950121, MONDO:0008682, OMIM 194080.
11p partial monosomy syndrome (WAGR). Also called: WAGR Spectrum Disorder; CHROMOSOME 11p13 DELETION SYNDROME; WAGR syndrome; WAGR Complex. Identifiers: Orphanet 893, MedGen C0206115, MONDO:0008681, OMIM 194072.
Frasier syndrome. Identifiers: Orphanet 347, MedGen C0950122, MeSH D052159, MONDO:0007635, OMIM 136680.
Inborn genetic diseases. Identifiers: MedGen C0950123, MeSH D030342.

Allele frequency attached by ClinVar (database versions not stated): gnomAD 0.00001; gnomAD exomes 0.00001; TOPMed 0.00001.
gnomAD v4.1: 31 of 1,535,500 alleles (0.002%); highest among the groups gnomAD compares: Non-Finnish European, 0.0027%; no homozygotes.

Submissions (4):

Labcorp Genetics (formerly Invitae), Labcorp
Classification: Uncertain significance for Wilms tumor 1; Drash syndrome; 11p partial monosomy syndrome; Frasier syndrome. Last evaluated: 2025-07-31. Review status: criteria provided, single submitter. Criteria: Invitae Variant Classification Sherloc (09022015). Collection method: clinical testing. Allele origin: germline.
Comment: This sequence change replaces tryptophan, which is neutral and slightly polar, with arginine, which is basic and polar, at codon 40 of the WT1 protein (p.Trp40Arg). The frequency data for this variant in the population databases is considered unreliable, as metrics indicate poor data quality at this position in the gnomAD database. This variant has not been reported in the literature in individuals affected with WT1-related conditions. ClinVar contains an entry for this variant (Variation ID: 476683). Invitae Evidence Modeling of protein sequence and biophysical properties (such as structural, functional, and spatial information, amino acid conservation, physicochemical variation, residue mobility, and thermodynamic stability) has been performed for this missense variant. However, the output from this modeling did not meet the statistical confidence thresholds required to predict the impact of this variant on WT1 protein function. In summary, the available evidence is currently insufficient to determine the role of this variant in disease. Therefore, it has been classified as a Variant of Uncertain Significance.

GeneDx
Classification: Uncertain significance. Last evaluated: 2025-04-07. Review status: criteria provided, single submitter. Criteria: GeneDx Variant Classification Process June 2021. Collection method: clinical testing. Allele origin: germline. Affected: yes.
Comment: Not observed at significant frequency in large population cohorts (gnomAD); In silico analysis indicates that this missense variant does not alter protein structure/function; Has not been previously published as pathogenic or benign to our knowledge

Ambry Genetics
Classification: Uncertain significance for Inborn genetic diseases. Last evaluated: 2024-11-26. Review status: criteria provided, single submitter. Criteria: Ambry Variant Classification Scheme 2023. Collection method: clinical testing. Allele origin: germline.
Comment: The p.W40R variant (also known as c.118T>C), located in coding exon 1 of the WT1 gene, results from a T to C substitution at nucleotide position 118. The tryptophan at codon 40 is replaced by arginine, an amino acid with dissimilar properties. This amino acid position is conserved. In addition, this alteration is predicted to be tolerated by in silico analysis. Based on the available evidence, the clinical significance of this variant remains unclear.

All of Us Research Program, National Institutes of Health
Classification: Uncertain significance for Wilms tumor 1. Last evaluated: 2024-02-05. Review status: criteria provided, single submitter. Criteria: ACMG Guidelines, 2015. Collection method: clinical testing. Allele origin: germline. Inheritance: Autosomal dominant inheritance. Observed: 4 variant alleles, 4 heterozygotes.
Comment: This missense variant replaces tryptophan with arginine at codon 40 of the WT1 protein. Computational prediction suggests that this variant may not impact protein structure and function (internally defined REVEL score threshold <= 0.5, PMID: 27666373). To our knowledge, functional studies have not been reported for this variant. This variant has not been reported in individuals affected with WT1-related disorders in the literature. This variant has been identified in 1/133348 chromosomes in the general population by the Genome Aggregation Database (gnomAD). The available evidence is insufficient to determine the role of this variant in disease conclusively. Therefore, this variant is classified as a Variant of Uncertain Significance.

This study involves interpretation of variants in research participants for the purpose of population health screening. Participant phenotype was not available at the time of variant classification. Additional details can be found in publication PMID: 35346344, PMCID: PMC8962531